The following is an entry in ClinVar:

NM_005902.4(SMAD3):c.850G>C (p.Glu284Gln)

Gene: SMAD3 (SMAD family member 3; plus strand). Cytogenetic location: 15q22.33.
Variant type: single nucleotide variant.
Coding change: c.850G>C on transcript NM_005902.4 (MANE Select); coding-DNA position 850, G replaced by C.
Protein change: p.Glu284Gln; replaces glutamic acid 284 with glutamine.
Molecular consequence: missense variant.
Genome position (GRCh38, 1-based): chr15:67,181,432, G>C. VCF-style: chr15-67181432-G-C. GRCh37 (hg19) VCF-style: chr15-67473770-G-C.
Other names: c.535G>C, p.Glu179Gln (NM_001145102.2); c.718G>C, p.Glu240Gln (NM_001145103.2); c.265G>C, p.Glu89Gln (NM_001145104.2); short protein forms E284Q, E240Q, E89Q, E179Q.
Identifiers: ClinVar variation 263961 (VCV000263961.6), dbSNP rs886038991, ClinGen allele CA10587877.

ClinVar aggregate classification (germline): Uncertain significance. Review status: criteria provided, multiple submitters, no conflicts (2 of 4 stars). 2 submissions from 2 submitters: Uncertain significance (2). Last evaluated 2023-06-18.

Conditions:
Familial thoracic aortic aneurysm and aortic dissection (TAAD). Also called: Thoracic aortic aneurysms and dissections. Identifiers: Orphanet 91387, MedGen C4707243, MONDO:0019625.

Submissions (2):

Women's Health and Genetics/Laboratory Corporation of America, LabCorp
Classification: Uncertain significance. Last evaluated: 2023-06-18. Review status: criteria provided, single submitter. Criteria: LabCorp Variant Classification Summary - May 2015. Collection method: clinical testing. Allele origin: germline.

Ambry Genetics
Classification: Uncertain significance for Familial thoracic aortic aneurysm and aortic dissection. Last evaluated: 2015-04-02. Review status: criteria provided, single submitter. Criteria: Ambry Variant Classification Scheme 2023. Collection method: clinical testing. Allele origin: germline.
Comment: The p.E284Q variant (also known as c.850G>C), located in coding exon 6 of the SMAD3 gene, results from a G to C substitution at nucleotide position 850. The glutamic acid at codon 284 is replaced by glutamine, an amino acid with some highly similar properties. This variant was not reported in population based cohorts in the following databases: Database of Single Nucleotide Polymorphisms (dbSNP), NHLBI Exome Sequencing Project (ESP), and 1000 Genomes Project. In the ESP, this variant was not observed in 6500 samples (13000 alleles) with coverage at this position. This amino acid position is highly conserved in available vertebrate species. In addition, this alteration is predicted to be deleterious by in silico analysis. Since supporting evidence is limited at this time, the clinical significance of this variant remains unclear.